The following is an entry in ClinVar:

ClinVar aggregate classification (germline): Conflicting classifications of pathogenicity. Review status: criteria provided, conflicting classifications (1 of 4 stars). 8 submissions from 7 submitters: Uncertain significance (2); Benign (1); Likely benign (4). 1 of the submissions does not count toward it. Last evaluated 2026-01-19.

Conditions:
Familial hypercholesterolemia. Also called: Familial hypercholesterolemias; Familial hypercholesterolaemia. Identifiers: MedGen C0020445, MONDO:0005439.
PCSK9-related disorder. Also called: PCSK9-related disorders; PCSK9-related condition.
Cardiovascular phenotype. Identifiers: MedGen CN230736.
Hypobetalipoproteinemia. Identifiers: Orphanet 31154, MedGen C0020597, MONDO:0017774.
Hypercholesterolemia, autosomal dominant, 3 (FHCL3). Also called: PCSK9-Related Familial Hypercholesterolemia, Autosomal Dominant; Familial hypercholesterolemia 3; Familial Hypercholesterolemia, Autosomal Dominant, 3. Identifiers: MedGen C1863551, MONDO:0011369, OMIM 603776.

Allele frequency attached by ClinVar (database versions not stated): TOPMed 0.00005; gnomAD 0.00007; 1000 Genomes Project 30x 0.00016; 1000 Genomes Project 0.00020; ESP Exome Variant Server 0.00008; ExAC 0.00006; gnomAD exomes 0.00008 and 0.00013.
gnomAD v4.1: 192 of 1,613,776 alleles (0.012%); highest among the groups gnomAD compares: Admixed American, 0.02%; no homozygotes.

Submissions (8):

Labcorp Genetics (formerly Invitae), Labcorp
Classification: Likely benign for Hypercholesterolemia, autosomal dominant, 3. Last evaluated: 2026-01-19. Review status: criteria provided, single submitter. Criteria: Invitae Variant Classification Sherloc (09022015). Collection method: clinical testing. Allele origin: germline.

All of Us Research Program, National Institutes of Health
Classification: Likely benign for Hypercholesterolemia, autosomal dominant, 3. Last evaluated: 2023-12-01. Review status: criteria provided, single submitter. Criteria: ACMG Guidelines, 2015. Collection method: clinical testing. Allele origin: germline. Inheritance: Autosomal dominant inheritance. Observed: 13 variant alleles, 13 heterozygotes.
Comment: This study involves interpretation of variants in research participants for the purpose of population health screening. Participant phenotype was not available at the time of variant classification. Additional details can be found in publication PMID: 35346344, PMCID: PMC8962531

Women's Health and Genetics/Laboratory Corporation of America, LabCorp
Classification: Benign. Last evaluated: 2023-06-25. Review status: criteria provided, single submitter. Criteria: LabCorp Variant Classification Summary - May 2015. Collection method: clinical testing. Allele origin: germline.

Ambry Genetics
Classification: Likely benign for Cardiovascular phenotype. Last evaluated: 2019-09-26. Review status: criteria provided, single submitter. Criteria: Ambry Variant Classification Scheme 2023. Collection method: clinical testing. Allele origin: germline.

Color Diagnostics, LLC DBA Color Health
Classification: Likely benign for Familial hypercholesterolemia. Last evaluated: 2018-07-16. Review status: criteria provided, single submitter. Criteria: ACMG Guidelines, 2015. Collection method: clinical testing. Allele origin: germline.

Illumina Laboratory Services, Illumina
Classification: Uncertain significance for Hypercholesterolemia, autosomal dominant, 3. Last evaluated: 2018-01-13. Review status: criteria provided, single submitter. Criteria: ICSL Variant Classification Criteria 13 December 2019. Collection method: clinical testing. Allele origin: germline.

Illumina Laboratory Services, Illumina
Classification: Uncertain significance for Hypobetalipoproteinemia. Last evaluated: 2018-01-13. Review status: criteria provided, single submitter. Criteria: ICSL Variant Classification Criteria 13 December 2019. Collection method: clinical testing. Allele origin: germline.

PreventionGenetics, part of Exact Sciences
Classification: Likely benign for PCSK9-related condition. Last evaluated: 2024-08-13. Review status: no assertion criteria provided. Collection method: clinical testing. Allele origin: germline. Not counted in ClinVar's aggregate classification.
Comment: This variant is classified as likely benign based on ACMG/AMP sequence variant interpretation guidelines (Richards et al. 2015 PMID: 25741868, with internal and published modifications).

NM_174936.4(PCSK9):c.1206C>T (p.Ala402=)

Gene: PCSK9 (proprotein convertase subtilisin/kexin type 9; plus strand). Cytogenetic location: 1p32.3.
Variant type: single nucleotide variant.
Coding change: c.1206C>T on transcript NM_174936.4 (MANE Select); coding-DNA position 1206, C replaced by T.
Protein change: p.Ala402=; no amino-acid change (alanine 402 retained).
Molecular consequence: synonymous variant. On other transcripts: non-coding transcript variant (8), intron variant (2).
Genome position (GRCh38, 1-based): chr1:55,058,061, C>T. VCF-style: chr1-55058061-C-T. GRCh37 (hg19) VCF-style: chr1-55523734-C-T.
Other names: c.1329C>T, p.Ala443= (NM_001407240.1); c.1206C>T, p.Ala402= (NM_001407241.1); c.1209C>T, p.Ala403= (NM_001407242.1); c.1149C>T, p.Ala383= (NM_001407243.1); c.1014C>T, p.Ala338= (NM_001407245.1); c.831C>T, p.Ala277= (NM_001407246.1); c.1181-438C>T (NM_001407244.1); c.1180+547C>T (NM_001407247.1).
Identifiers: ClinVar variation 874546 (VCV000874546.22), dbSNP rs200091654, ClinGen allele CA035820.